The following is an entry in ClinVar:

ClinVar aggregate classification (germline): Uncertain significance (1 of 4 stars; one submission).

Submission:

GeneDx
Classification: Uncertain significance. Last evaluated: 2024-04-16. Review status: criteria provided, single submitter. Criteria: GeneDx Variant Classification Process June 2021. Collection method: clinical testing. Allele origin: germline. Affected: yes.
Comment: Not observed at significant frequency in large population cohorts (gnomAD); In silico analysis supports that this missense variant has a deleterious effect on protein structure/function; Has not been previously published as pathogenic or benign to our knowledge

NM_001105247.2(ARMC5):c.1064T>A (p.Leu355Gln)

Gene: ARMC5 (armadillo repeat containing 5; plus strand). Cytogenetic location: 16p11.2.
Variant type: single nucleotide variant.
Coding change: c.1064T>A on transcript NM_001105247.2 (MANE Select); coding-DNA position 1064, T replaced by A.
Protein change: p.Leu355Gln; replaces leucine 355 with glutamine.
Molecular consequence: missense variant.
Genome position (GRCh38, 1-based): chr16:31,462,611, T>A. VCF-style: chr16-31462611-T-A. GRCh37 (hg19) VCF-style: chr16-31473932-T-A.
Other names: c.1349T>A, p.Leu450Gln (NM_001288767.2); c.1160T>A, p.Leu387Gln (NM_001301820.1); c.1064T>A, p.Leu355Gln (NM_024742.2); short protein forms L355Q, L387Q, L450Q.
Identifiers: ClinVar variation 3372536 (VCV003372536.1).